The following is an entry in ClinVar:

NM_001868.4(CPA1):c.1237C>T (p.His413Tyr)

Gene: CPA1 (carboxypeptidase A1; plus strand). Cytogenetic location: 7q32.2.
Variant type: single nucleotide variant.
Coding change: c.1237C>T on transcript NM_001868.4 (MANE Select); coding-DNA position 1237, C replaced by T.
Protein change: p.His413Tyr; replaces histidine 413 with tyrosine.
Molecular consequence: missense variant.
Genome position (GRCh38, 1-based): chr7:130,387,988, C>T. VCF-style: chr7-130387988-C-T. GRCh37 (hg19) VCF-style: chr7-130027829-C-T.
Other names: short protein forms H413Y.
Identifiers: ClinVar variation 3496226 (VCV003496226.1).

ClinVar aggregate classification (germline): Uncertain significance (1 of 4 stars; one submission).

Conditions:
Hereditary pancreatitis (PCTT). Also called: Hereditary chronic pancreatitis; PRSS1-Related Hereditary Pancreatitis. Identifiers: Orphanet 676, MedGen C0238339, MONDO:0008185, OMIM 167800.

Submission:

Ambry Genetics
Classification: Uncertain significance for Hereditary pancreatitis. Last evaluated: 2024-11-14. Review status: criteria provided, single submitter. Criteria: Ambry Variant Classification Scheme 2023. Collection method: clinical testing. Allele origin: germline.
Comment: The p.H413Y variant (also known as c.1237C>T), located in coding exon 10 of the CPA1 gene, results from a C to T substitution at nucleotide position 1237. The histidine at codon 413 is replaced by tyrosine, an amino acid with similar properties. This amino acid position is conserved. In addition, this alteration is predicted to be tolerated by in silico analysis. Based on the available evidence, the clinical significance of this variant remains unclear.